The following is an entry in ClinVar:

NM_201384.3(PLEC):c.5033A>G (p.Lys1678Arg)

Gene: PLEC (plectin; minus strand). Cytogenetic location: 8q24.3.
Variant type: single nucleotide variant.
Coding change: c.5033A>G on transcript NM_201384.3 (MANE Select); coding-DNA position 5033, A replaced by G.
Protein change: p.Lys1678Arg; replaces lysine 1678 with arginine.
Molecular consequence: missense variant.
Genome position (GRCh38, 1-based): chr8:143,924,896, T>C on the plus strand (A>G on the coding strand, the complement: PLEC is on the minus strand). VCF-style: chr8-143924896-T-C. GRCh37 (hg19) VCF-style: chr8-144999064-T-C.
Other names: c.5114A>G, p.Lys1705Arg (NM_000445.5); c.4991A>G, p.Lys1664Arg (NM_201378.4); c.4967A>G, p.Lys1656Arg (NM_201379.3); c.5444A>G, p.Lys1815Arg (NM_201380.4); c.4937A>G, p.Lys1646Arg (NM_201381.3); c.5033A>G, p.Lys1678Arg (NM_201382.4); c.5045A>G, p.Lys1682Arg (NM_201383.3); short protein forms K1646R, K1656R, K1664R, K1678R, K1682R, K1705R, K1815R.
Identifiers: ClinVar variation 501927 (VCV000501927.9), dbSNP rs782459426, ClinGen allele CA4926451.
Genomic context (GRCh38, chr8:143,924,896, plus strand): 5'-CGCTGCTTCTCCAGCTCTTGTTCAGCCAGCTCCCGCTGCCGGACGGCCTGCTCCTCCGCC[T>C]TGCCGCGCCGCCGCGCCTCGCGCTCCGCCTCCTCCTTCTGCTTCTCAGCCTCGGCCTGCG-3'
Protein context (NP_958786.1, residues 1668-1688): EAEREARRRG[Lys1678Arg]AEEQAVRQRE

ClinVar aggregate classification (germline): Uncertain significance. Review status: criteria provided, multiple submitters, no conflicts (2 of 4 stars). 2 submissions from 2 submitters: Uncertain significance (2). Last evaluated 2025-07-22.

Conditions:
Epidermolysis bullosa simplex 5B, with muscular dystrophy (EBS5B). Also called: EPIDERMOLYSIS BULLOSA SIMPLEX AND LIMB-GIRDLE MUSCULAR DYSTROPHY; Epidermolysis bullosa simplex with muscular dystrophy. Identifiers: Orphanet 257, MedGen C2931072, MONDO:0009181, OMIM 226670.
Epidermolysis bullosa simplex, Ogna type (EBS5A). Also called: Pidermolysis bullosa simplex 5A, Ogna type; EPIDERMOLYSIS BULLOSA SIMPLEX 5A, OGNA TYPE. Identifiers: Orphanet 79401, MedGen C0432317, MONDO:0007555, OMIM 131950.
Autosomal recessive limb-girdle muscular dystrophy type 2Q (LGMDR17). Also called: MUSCULAR DYSTROPHY, LIMB-GIRDLE, AUTOSOMAL RECESSIVE 17. Identifiers: Orphanet 254361, MedGen C3150989, MONDO:0013390, OMIM 613723.
Epidermolysis bullosa simplex 5C, with pyloric atresia (EBS5C). Also called: Epidermolysis bullosa simplex with pyloric atresia; PLEC1-Related Epidermolysis Bullosa with Pyloric Atresia; PLEC-Related Epidermolysis Bullosa with Pyloric Atresia. Identifiers: Orphanet 158684, MedGen C2677349, MONDO:0012807, OMIM 612138.
Epidermolysis bullosa simplex with nail dystrophy (EBS5D). Identifiers: MedGen C4225309, MONDO:0014661, OMIM 616487.

Allele frequency attached by ClinVar (database versions not stated): gnomAD 0.00001; gnomAD exomes 0.00001 and 0.00002; ExAC 0.00002; TOPMed 0.00002.
gnomAD v4.1: 38 of 1,589,204 alleles (0.0024%); highest among the groups gnomAD compares: Non-Finnish European, 0.003%; no homozygotes.

Submissions (2):

Labcorp Genetics (formerly Invitae), Labcorp
Classification: Uncertain significance for Autosomal recessive limb-girdle muscular dystrophy type 2Q; Epidermolysis bullosa simplex, Ogna type; Epidermolysis bullosa simplex with nail dystrophy; Epidermolysis bullosa simplex 5C, with pyloric atresia; Epidermolysis bullosa simplex 5B, with muscular dystrophy. Last evaluated: 2025-07-22. Review status: criteria provided, single submitter. Criteria: Invitae Variant Classification Sherloc (09022015). Collection method: clinical testing. Allele origin: germline.
Comment: This sequence change replaces lysine, which is basic and polar, with arginine, which is basic and polar, at codon 1705 of the PLEC protein (p.Lys1705Arg). This variant is present in population databases (rs782459426, gnomAD 0.003%). This variant has not been reported in the literature in individuals affected with PLEC-related conditions. ClinVar contains an entry for this variant (Variation ID: 501927). Experimental studies and prediction algorithms are not available or were not evaluated, and the functional significance of this variant is currently unknown. In summary, the available evidence is currently insufficient to determine the role of this variant in disease. Therefore, it has been classified as a Variant of Uncertain Significance.

Eurofins Ntd Llc (ga)
Classification: Uncertain significance. Last evaluated: 2017-05-08. Review status: criteria provided, single submitter. Criteria: EGL Classification Definitions 2015. Collection method: clinical testing. Allele origin: germline. Observed: 1 variant allele, 1 heterozygote.